The following is an entry in ClinVar:

NM_001256627.2(BRSK2):c.1417del (p.Val473fs)

Gene: BRSK2 (BR serine/threonine kinase 2; plus strand). Cytogenetic location: 11p15.5.
Variant type: Deletion.
Coding change: c.1417del on transcript NM_001256627.2 (MANE Select); coding-DNA position 1417, one base deleted (G; older notation c.1417delG).
Protein change: p.Val473fs; shifts the reading frame from valine 473.
Molecular consequence: frameshift variant. On other transcripts: non-coding transcript variant (1).
Genome position (GRCh38, 1-based): chr11:1,450,716, G deleted; the last of 4 consecutive G bases (chr11:1,450,713-1,450,716); deleting any one gives the same sequence. VCF-style (leftmost placement, unchanged base first): chr11-1450712-AG-A. GRCh37 (hg19) VCF-style: chr11-1471942-AG-A.
Other names: c.1417del, p.Val473fs (NM_001256629.2, NM_003957.4); c.1555del, p.Val519fs (NM_001256630.1, NM_001440667.1); c.1237del, p.Val413fs (NM_001282218.2, NM_001440669.1, NM_001440673.1 and 3 more transcripts); c.1849del, p.Val617fs (NM_001440665.1); c.1783del, p.Val595fs (NM_001440666.1); c.1483del, p.Val495fs (NM_001440668.1, NM_001440670.1); c.1303del, p.Val435fs (NM_001440671.1, NM_001440672.1); short protein forms V413fs, V435fs, V473fs, V495fs, V519fs, V595fs, V617fs.
Identifiers: ClinVar variation 4849541 (VCV004849541.1).
Genomic context (GRCh38, chr11:1,450,712, plus strand): 5'-GCCAAAGGAGAGCCCGGCTGGCACGCCCAACCCCACGCCCCCGTCCAGCCCCAGCGTCGG[AG>A]GGGTGCCCTGGAGGGCGCGGCTCAACTCCATCAAGAACAGCTTTCTGGGCTCACCCCGCT-3'

ClinVar aggregate classification (germline): Pathogenic (1 of 4 stars; one submission).

Conditions:
Autosomal dominant non-syndromic intellectual disability. Identifiers: Orphanet 178469, MedGen C5680502, MONDO:0015802.

Submission:

Department of Human Genetics, University Hospital Bern, Inselspital
Classification: Pathogenic for Autosomal dominant non-syndromic intellectual disability. Last evaluated: 2026-05-03. Review status: criteria provided, single submitter. Criteria: ACMG Guidelines, 2015. Collection method: clinical testing. Allele origin: de novo. Affected: yes.
Comment: The variant leads to an early stop codon likely resulting in nonsense-mediated mRNA decay. The variant was shown to have occurred de novo and is absent from gnomAD v4.1.0. In summary, criteria PVS1, PS2_supporting and PM2_Supporting were used.

Literature cited by the submitters: PubMed 42509346.